The following is an entry in ClinVar:

NM_001042492.3(NF1):c.3870G>A (p.Lys1290=)

Gene: NF1 (neurofibromin 1; plus strand). Cytogenetic location: 17q11.2.
Variant type: single nucleotide variant.
Coding change: c.3870G>A on transcript NM_001042492.3 (MANE Select); coding-DNA position 3870, G replaced by A.
Protein change: p.Lys1290=; no amino-acid change (lysine 1290 retained).
Molecular consequence: synonymous variant.
Genome position (GRCh38, 1-based): chr17:31,235,772, G>A. VCF-style: chr17-31235772-G-A. GRCh37 (hg19) VCF-style: chr17-29562790-G-A.
Other names: c.3870G>A, p.Lys1290= (NM_000267.4).
Identifiers: ClinVar variation 3670816 (VCV003670816.2).

ClinVar aggregate classification (germline): Uncertain significance. Review status: criteria provided, multiple submitters, no conflicts (2 of 4 stars). 2 submissions from 2 submitters: Uncertain significance (2). Last evaluated 2025-08-15.

Conditions:
Cardiovascular phenotype. Identifiers: MedGen CN230736.
Hereditary cancer-predisposing syndrome. Also called: Hereditary Cancer Syndrome; Tumor predisposition; Hereditary neoplastic syndrome; Neoplastic Syndromes, Hereditary. Identifiers: Orphanet 140162, MedGen C0027672, MeSH D009386, MONDO:0015356.
Neurofibromatosis, type 1 (NF1). Also called: VON RECKLINGHAUSEN DISEASE; NEUROFIBROMATOSIS, TYPE I, SOMATIC; Neurofibromatosis, type I; Peripheral type neurofibromatosis. Identifiers: Orphanet 636, MedGen C0027831, MONDO:0018975, OMIM 162200. Disease mechanism: loss of function.

Submissions (2):

Ambry Genetics
Classification: Uncertain significance for Cardiovascular phenotype; Hereditary cancer-predisposing syndrome. Last evaluated: 2025-08-15. Review status: criteria provided, single submitter. Criteria: Ambry Variant Classification Scheme 2023. Collection method: clinical testing. Allele origin: germline.
Comment: The c.3870G>A variant (also known as p.K1290K), located in coding exon 28 of the NF1 gene, results from a G to A substitution at nucleotide position 3870. This nucleotide substitution does not change the amino acid at codon 1290. This change occurs in the last base pair of coding exon 28, which makes it likely to have some effect on normal mRNA splicing. This nucleotide position is highly conserved in available vertebrate species. In silico splice site analysis predicts that this alteration may weaken the native splice donor site and may result in the creation or strengthening of a novel splice donor site; however, direct evidence is insufficient at this time (Ambry internal data). Based on the available evidence, the clinical significance of this variant remains unclear.

Labcorp Genetics (formerly Invitae), Labcorp
Classification: Uncertain significance for Neurofibromatosis, type 1. Last evaluated: 2024-04-01. Review status: criteria provided, single submitter. Criteria: Invitae Variant Classification Sherloc (09022015). Collection method: clinical testing. Allele origin: germline.
Comment: This sequence change affects codon 1290 of the NF1 mRNA. It is a 'silent' change, meaning that it does not change the encoded amino acid sequence of the NF1 protein. This variant also falls at the last nucleotide of exon 28, which is part of the consensus splice site for this exon. This variant is not present in population databases (gnomAD no frequency). This variant has not been reported in the literature in individuals affected with NF1-related conditions. Studies have shown that this variant alters NF1 gene expression (PMID: 23171796). Variants that disrupt the consensus splice site are a relatively common cause of aberrant splicing (PMID: 17576681, 9536098). Algorithms developed to predict the effect of sequence changes on RNA splicing suggest that this variant may disrupt the consensus splice site. In summary, the available evidence is currently insufficient to determine the role of this variant in disease. Therefore, it has been classified as a Variant of Uncertain Significance.

Literature cited by the submitters: PubMed 23171796 (cited by Labcorp Genetics (formerly Invitae), Labcorp); PubMed 17576681 (cited by Labcorp Genetics (formerly Invitae), Labcorp); PubMed 9536098 (cited by Labcorp Genetics (formerly Invitae), Labcorp).